The following is an entry in ClinVar:

NM_006361.6(HOXB13):c.465T>C (p.Pro155=)

Gene: HOXB13 (homeobox B13; minus strand). Cytogenetic location: 17q21.32.
Variant type: single nucleotide variant.
Coding change: c.465T>C on transcript NM_006361.6 (MANE Select); coding-DNA position 465, T replaced by C.
Protein change: p.Pro155=; no amino-acid change (proline 155 retained).
Molecular consequence: synonymous variant.
Genome position (GRCh38, 1-based): chr17:48,728,129, A>G on the plus strand (T>C on the coding strand, the complement: HOXB13 is on the minus strand). VCF-style: chr17-48728129-A-G. GRCh37 (hg19) VCF-style: chr17-46805491-A-G.
Identifiers: ClinVar variation 2448872 (VCV002448872.3), dbSNP rs1354392203, ClinGen allele CA500660880.
Genomic context (GRCh38, chr17:48,728,129, plus strand): 5'-AGCGAGAGCCCAAGACTGGTAACTGTCCACAGGCAACAGGGAGTCATGTCGCGGTTCTCC[A>G]GGAGCACCCAGAGTCTGCACCACAGACACGTCCAGGTAACTGGCCATAGGCTGGTAGGTT-3'
Protein context (NP_006352.2, residues 145-165): DVSVVQTLGA[Pro155=]GEPRHDSLLP

ClinVar aggregate classification (germline): Benign/Likely benign. Review status: criteria provided, multiple submitters, no conflicts (2 of 4 stars). 2 submissions from 2 submitters: Benign (1); Likely benign (1). Last evaluated 2024-10-30.

Conditions:
Prostate cancer, hereditary, 9 (HPC9). Identifiers: Orphanet 1331, MedGen C1970250, MONDO:0012597, OMIM 610997.
Hereditary cancer-predisposing syndrome. Also called: Neoplastic Syndromes, Hereditary; Hereditary Cancer Syndrome; Tumor predisposition; Hereditary neoplastic syndrome. Identifiers: Orphanet 140162, MedGen C0027672, MeSH D009386, MONDO:0015356.

Allele frequency attached by ClinVar (database versions not stated): TOPMed below 0.00001.

Submissions (2):

Myriad Genetics, Inc.
Classification: Benign for Prostate cancer, hereditary, 9. Last evaluated: 2024-10-30. Review status: criteria provided, single submitter. Criteria: Myriad Autosomal Dominant, Autosomal Recessive and X-Linked Classification Criteria (2023). Collection method: clinical testing. Allele origin: unknown.
Comment: This variant is considered benign. This variant is a silent/synonymous amino acid change and it is not expected to impact splicing.

Ambry Genetics
Classification: Likely benign for Hereditary cancer-predisposing syndrome. Last evaluated: 2023-02-10. Review status: criteria provided, single submitter. Criteria: Ambry Variant Classification Scheme 2023. Collection method: clinical testing. Allele origin: germline.